The following is an entry in ClinVar:

NM_000554.6(CRX):c.*860C>T

Gene: CRX (cone-rod homeobox; plus strand). Cytogenetic location: 19q13.33.
Variant type: single nucleotide variant.
Coding change: c.*860C>T on transcript NM_000554.6 (MANE Select); 860 bases downstream of the stop codon, C replaced by T.
Molecular consequence: 3 prime UTR variant.
Genome position (GRCh38, 1-based): chr19:47,840,827, C>T. VCF-style: chr19-47840827-C-T. GRCh37 (hg19) VCF-style: chr19-48344084-C-T.
Identifiers: ClinVar variation 329727 (VCV000329727.5), dbSNP rs185098538, ClinGen allele CA10643065.

ClinVar aggregate classification (germline): Benign/Likely benign. Review status: criteria provided, single submitter (1 of 4 stars). 3 submissions from 1 submitter: Benign (1); Likely benign (2). Last evaluated 2018-01-12.

Conditions:
Retinitis pigmentosa (RP). Identifiers: Orphanet 791, MedGen C0035334, MeSH D012174, MONDO:0019200, OMIM 268000. Inheritance: Autosomal dominant, autosomal recessive and X linked inheritance.
Leber congenital amaurosis 7 (LCA7). Identifiers: Orphanet 65, MedGen C3151192, MONDO:0013449, OMIM 613829.
Cone-rod dystrophy 2 (CORD2). Also called: CONE-ROD RETINAL DYSTROPHY; Cone-rod retinal dystrophy 2. Identifiers: Orphanet 1872, MedGen C3489532, MONDO:0007362, OMIM 120970.

Allele frequency attached by ClinVar (database versions not stated): 1000 Genomes Project 0.00240; 1000 Genomes Project 30x 0.00297; gnomAD 0.00339 and 0.00359; TOPMed 0.00422.

Submissions (3):

Illumina Laboratory Services, Illumina
Classification: Likely benign for Leber congenital amaurosis 7. Last evaluated: 2018-01-12. Review status: criteria provided, single submitter. Criteria: ICSL Variant Classification Criteria 13 December 2019. Collection method: clinical testing. Allele origin: germline.
Comment: This variant was observed in the ICSL laboratory as part of a predisposition screen in an ostensibly healthy population. It had not been previously curated by ICSL or reported in the Human Gene Mutation Database (HGMD: prior to June 1st, 2018), and was therefore a candidate for classification through an automated scoring system. Utilizing variant allele frequency, disease prevalence and penetrance estimates, and inheritance mode, an automated score was calculated to assess if this variant is too frequent to cause the disease. Based on the score and internal cut-off values, a variant classified as likely benign is not then subjected to further curation. The score for this variant resulted in a classification of likely benign for this disease.

Illumina Laboratory Services, Illumina
Classification: Benign for Cone-rod dystrophy 2. Last evaluated: 2018-01-12. Review status: criteria provided, single submitter. Criteria: ICSL Variant Classification Criteria 13 December 2019. Collection method: clinical testing. Allele origin: germline.
Comment: This variant was observed in the ICSL laboratory as part of a predisposition screen in an ostensibly healthy population. It had not been previously curated by ICSL or reported in the Human Gene Mutation Database (HGMD: prior to June 1st, 2018), and was therefore a candidate for classification through an automated scoring system. Utilizing variant allele frequency, disease prevalence and penetrance estimates, and inheritance mode, an automated score was calculated to assess if this variant is too frequent to cause the disease. Based on the score and internal cut-off values, a variant classified as benign is not then subjected to further curation. The score for this variant resulted in a classification of benign for this disease.

Illumina Laboratory Services, Illumina
Classification: Likely benign for Retinitis pigmentosa. Last evaluated: 2018-01-12. Review status: criteria provided, single submitter. Criteria: ICSL Variant Classification Criteria 13 December 2019. Collection method: clinical testing. Allele origin: germline.
Comment: the same text as in the submission from Illumina Laboratory Services, Illumina above.